The following is an entry in ClinVar:

ClinVar aggregate classification (germline): Uncertain significance (1 of 4 stars; one submission).

Conditions:
Mucopolysaccharidosis type 1. Also called: IDUA deficiency; MPS I; Mucopolysaccharidosis Type I. Identifiers: Orphanet 579, MedGen C0023786, MONDO:0001586.

Submission:

Labcorp Genetics (formerly Invitae), Labcorp
Classification: Uncertain significance for Mucopolysaccharidosis type 1. Last evaluated: 2023-08-25. Review status: criteria provided, single submitter. Criteria: Invitae Variant Classification Sherloc (09022015). Collection method: clinical testing. Allele origin: germline.
Comment: This sequence change replaces arginine, which is basic and polar, with glutamine, which is neutral and polar, at codon 210 of the IDUA protein (p.Arg210Gln). Information on the frequency of this variant in the gnomAD database is not available, as this variant may be reported differently in the database. This variant has not been reported in the literature in individuals affected with IDUA-related conditions. An algorithm developed to predict the effect of missense changes on protein structure and function (PolyPhen-2) suggests that this variant is likely to be disruptive. In summary, the available evidence is currently insufficient to determine the role of this variant in disease. Therefore, it has been classified as a Variant of Uncertain Significance.

NM_000203.5(IDUA):c.629_630delinsAG (p.Arg210Gln)

Gene: IDUA (alpha-L-iduronidase; plus strand). Cytogenetic location: 4p16.3.
Variant type: Indel.
Coding change: c.629_630delinsAG on transcript NM_000203.5 (MANE Select); coding-DNA positions 629 to 630, GC replaced by AG.
Protein change: p.Arg210Gln; replaces arginine 210 with glutamine.
Molecular consequence: missense variant. On other transcripts: non-coding transcript variant (1).
Genome position (GRCh38, 1-based): chr4:1,001,718-1,001,719, GC replaced by AG. VCF-style: chr4-1001718-GC-AG. GRCh37 (hg19) VCF-style: chr4-995506-GC-AG.
Other names: c.233_234delinsAG, p.Arg78Gln (NM_001363576.1); short protein forms R210Q, R78Q.
Identifiers: ClinVar variation 2755171 (VCV002755171.3), dbSNP rs2534084566, ClinGen allele CA2697557037.